The following is an entry in ClinVar:

ClinVar aggregate classification (germline): Uncertain significance (1 of 4 stars; one submission).

Conditions:
Brugada syndrome 8 (BRGDA8). Identifiers: Orphanet 130, MedGen C2751083, MONDO:0013148, OMIM 613123.

Submission:

Labcorp Genetics (formerly Invitae), Labcorp
Classification: Uncertain significance for Brugada syndrome 8. Last evaluated: 2022-11-29. Review status: criteria provided, single submitter. Criteria: Invitae Variant Classification Sherloc (09022015). Collection method: clinical testing. Allele origin: germline.
Comment: This sequence change replaces glycine, which is neutral and non-polar, with arginine, which is basic and polar, at codon 1110 of the HCN4 protein (p.Gly1110Arg). This variant is not present in population databases (gnomAD no frequency). This variant has not been reported in the literature in individuals affected with HCN4-related conditions. ClinVar contains an entry for this variant (Variation ID: 1484271). Advanced modeling of protein sequence and biophysical properties (such as structural, functional, and spatial information, amino acid conservation, physicochemical variation, residue mobility, and thermodynamic stability) performed at Invitae indicates that this missense variant is not expected to disrupt HCN4 protein function. In summary, the available evidence is currently insufficient to determine the role of this variant in disease. Therefore, it has been classified as a Variant of Uncertain Significance.

NM_005477.3(HCN4):c.3328G>A (p.Gly1110Arg)

Gene: HCN4 (hyperpolarization activated cyclic nucleotide gated potassium channel 4; minus strand). Cytogenetic location: 15q24.1.
Variant type: single nucleotide variant.
Coding change: c.3328G>A on transcript NM_005477.3 (MANE Select); coding-DNA position 3328, G replaced by A.
Protein change: p.Gly1110Arg; replaces glycine 1110 with arginine.
Molecular consequence: missense variant.
Genome position (GRCh38, 1-based): chr15:73,322,765, C>T on the plus strand (G>A on the coding strand, the complement: HCN4 is on the minus strand). VCF-style: chr15-73322765-C-T. GRCh37 (hg19) VCF-style: chr15-73615106-C-T.
Other names: short protein forms G1110R.
Identifiers: ClinVar variation 1484271 (VCV001484271.8), dbSNP rs2151213893, ClinGen allele CA393085600.